The following is an entry in ClinVar:

NM_015512.5(DNAH1):c.3833T>C (p.Met1278Thr)

Gene: DNAH1 (dynein axonemal heavy chain 1; plus strand). Cytogenetic location: 3p21.1.
Variant type: single nucleotide variant.
Coding change: c.3833T>C on transcript NM_015512.5 (MANE Select); coding-DNA position 3833, T replaced by C.
Protein change: p.Met1278Thr; replaces methionine 1278 with threonine.
Molecular consequence: missense variant.
Genome position (GRCh38, 1-based): chr3:52,356,753, T>C. VCF-style: chr3-52356753-T-C. GRCh37 (hg19) VCF-style: chr3-52390769-T-C.
Other names: short protein forms M1278T.
Identifiers: ClinVar variation 1040495 (VCV001040495.2), dbSNP rs764848129, ClinGen allele CA2433705.

ClinVar aggregate classification (germline): Uncertain significance (1 of 4 stars; one submission).

Conditions:
Ciliary dyskinesia, primary, 37 (CILD37). Also called: CILIARY DYSKINESIA, PRIMARY, 37, WITH OR WITHOUT SITUS INVERSUS. Identifiers: MedGen C4539798, MONDO:0033204, OMIM 617577.
Spermatogenic failure 18. Identifiers: MedGen C4539783, MONDO:0054615, OMIM 617576.

Allele frequency attached by ClinVar (database versions not stated): gnomAD 0.00001 and 0.00002; gnomAD exomes 0.00003; TOPMed 0.00003; ExAC 0.00004.

Submission:

Labcorp Genetics (formerly Invitae), Labcorp
Classification: Uncertain significance for Ciliary dyskinesia, primary, 37; Spermatogenic failure 18. Last evaluated: 2022-07-06. Review status: criteria provided, single submitter. Criteria: Invitae Variant Classification Sherloc (09022015). Collection method: clinical testing. Allele origin: germline.
Comment: This sequence change replaces methionine, which is neutral and non-polar, with threonine, which is neutral and polar, at codon 1278 of the DNAH1 protein (p.Met1278Thr). This variant is present in population databases (rs764848129, gnomAD 0.005%). This variant has not been reported in the literature in individuals affected with DNAH1-related conditions. ClinVar contains an entry for this variant (Variation ID: 1040495). Algorithms developed to predict the effect of missense changes on protein structure and function are either unavailable or do not agree on the potential impact of this missense change (SIFT: "Deleterious"; PolyPhen-2: "Benign"; Align-GVGD: "Class C65"). In summary, the available evidence is currently insufficient to determine the role of this variant in disease. Therefore, it has been classified as a Variant of Uncertain Significance.